The following is an entry in ClinVar:

NM_001042681.2(RERE):c.4698A>C (p.Leu1566Phe)

Gene: RERE (arginine-glutamic acid dipeptide repeats; minus strand). Cytogenetic location: 1p36.23.
Variant type: single nucleotide variant.
Coding change: c.4698A>C on transcript NM_001042681.2 (MANE Select); coding-DNA position 4698, A replaced by C.
Protein change: p.Leu1566Phe; replaces leucine 1566 with phenylalanine.
Molecular consequence: missense variant.
Genome position (GRCh38, 1-based): chr1:8,355,090, T>G on the plus strand (A>C on the coding strand, the complement: RERE is on the minus strand). VCF-style: chr1-8355090-T-G. GRCh37 (hg19) VCF-style: chr1-8415150-T-G.
Other names: c.3036A>C, p.Leu1012Phe (NM_001042682.2); c.4698A>C, p.Leu1566Phe (NM_012102.4); short protein forms L1012F, L1566F.
Identifiers: ClinVar variation 3368850 (VCV003368850.1).

ClinVar aggregate classification (germline): Uncertain significance (1 of 4 stars; one submission).

Submission:

GeneDx
Classification: Uncertain significance. Last evaluated: 2024-02-07. Review status: criteria provided, single submitter. Criteria: GeneDx Variant Classification Process June 2021. Collection method: clinical testing. Allele origin: germline. Affected: yes.
Comment: Not observed at significant frequency in large population cohorts (gnomAD); In silico analysis supports that this missense variant has a deleterious effect on protein structure/function; Has not been previously published as pathogenic or benign to our knowledge